The following is an entry in ClinVar:

ClinVar aggregate classification (germline): Uncertain significance. Review status: criteria provided, multiple submitters, no conflicts (2 of 4 stars). 3 submissions from 3 submitters: Uncertain significance (2). 1 of the submissions does not count toward it. Last evaluated 2024-07-22.

Conditions:
Congenital cataract-progressive muscular hypotonia-hearing loss-developmental delay syndrome. Also called: MITOCHONDRIAL COMPLEX DEFICIENCY, COMBINED; Myopathy with cataract and combined respiratory-chain deficiency. Identifiers: Orphanet 330054, MedGen C2751320, MONDO:0013116, OMIM 613076.
Mitochondrial disease. Also called: Mitochondrial disorder; Mitochondrial disorders. Identifiers: Orphanet 68380, MedGen C0751651, MeSH D028361, MONDO:0044970.

Allele frequency attached by ClinVar (database versions not stated): TOPMed 0.00002; gnomAD exomes 0.00004 and 0.00003; gnomAD 0.00007; ESP Exome Variant Server 0.00015; ExAC 0.00004.
gnomAD v4.1: 66 of 1,612,866 alleles (0.0041%); highest among the groups gnomAD compares: Middle Eastern, 0.033%; no homozygotes.

Submissions (3):

GeneDx
Classification: Uncertain significance. Last evaluated: 2024-07-22. Review status: criteria provided, single submitter. Criteria: GeneDx Variant Classification Process June 2021. Collection method: clinical testing. Allele origin: germline. Affected: yes.
Comment: Identified in an individual with a mitochondrial disorder in published literature, however specific patient information was not provided (PMID: 28812649); Not observed at significant frequency in large population cohorts (gnomAD); In silico analysis supports that this missense variant has a deleterious effect on protein structure/function; This variant is associated with the following publications: (PMID: 31589614, 28812649, 35777586)

Victorian Clinical Genetics Services, Murdoch Childrens Research Institute
Classification: Uncertain significance for Congenital cataract-progressive muscular hypotonia-hearing loss-developmental delay syndrome. Last evaluated: 2020-05-25. Review status: criteria provided, single submitter. Criteria: ACMG Guidelines, 2015. Collection method: clinical testing. Allele origin: germline. Inheritance: Autosomal recessive inheritance. Affected: yes.
Comment: A heterozygous missense variant was identified, NM_005262.2(GFER):c.586C>T in exon 3 of 3 of the GFER gene. This substitution is predicted to create a major amino acid change from an arginine to a cysteine at position 196 of the protein; NP_005253.3(GFER):p.(Arg196Cys). The arginine at this position has high conservation (100 vertebrates, UCSC), and is located within the Erv1 / Alr family domain (NCBI, PDB). In silico software predicts this variant to be damaging (PolyPhen2, SIFT, CADD, Mutation Taster). The variant is present in the gnomAD population database at a global population frequency of 0.004% (10 heterozygotes; 0 homozygotes) with a Latino sub-population frequency of 0.008%. An alternative residue change to histidine at the same location has also been reported in the gnomAD database at a frequency of 0.01%. This variant has been previously reported as pathogenic in a patient with mitochondrial disease (ClinVar, Martikainen, M. et al. (2017)). Based on information available at the time of curation, this variant has been classified as a VUS with POTENTIAL CLINICAL RELEVANCE.

Mitochondrial Research Group, Newcastle University
Classification: Pathogenic for Mitochondrial disease. Last evaluated: 2017-04-07. Review status: no assertion criteria provided. Collection method: clinical testing. Allele origin: germline. Affected: yes. Observed: 2 variant alleles. Not counted in ClinVar's aggregate classification.

Literature cited by the submitters: PubMed 28812649 (cited by Mitochondrial Research Group, Newcastle University).

NM_005262.3(GFER):c.586C>T (p.Arg196Cys)

Gene: GFER (growth factor, augmenter of liver regeneration; plus strand). Cytogenetic location: 16p13.3.
Variant type: single nucleotide variant.
Coding change: c.586C>T on transcript NM_005262.3 (MANE Select); coding-DNA position 586, C replaced by T.
Protein change: p.Arg196Cys; replaces arginine 196 with cysteine.
Molecular consequence: missense variant.
Genome position (GRCh38, 1-based): chr16:1,985,996, C>T. VCF-style: chr16-1985996-C-T. GRCh37 (hg19) VCF-style: chr16-2035997-C-T.
Other names: short protein forms R196C.
Identifiers: ClinVar variation 426097 (VCV000426097.4), dbSNP rs370475970, ClinGen allele CA7826097.
Genomic context (GRCh38, chr16:1,985,996, plus strand): 5'-GAAGTGAACCGCAAGCTGGGCAAGCCTGACTTCGACTGCTCAAAAGTGGATGAGCGCTGG[C>T]GCGACGGCTGGAAGGATGGCTCCTGTGACTAGAGGGTGGTCAGCCAGAGCTCATGGGACA-3'
Protein context (NP_005253.3, residues 186-205): FDCSKVDERW[Arg196Cys]DGWKDGSCD